The following is an entry in ClinVar:

ClinVar aggregate classification (germline): Uncertain significance (1 of 4 stars; one submission).

gnomAD v4.1: 2 of 1,614,008 alleles (0.00012%); highest among the groups gnomAD compares: Middle Eastern, 0.016%; no homozygotes.

Submission:

Labcorp Genetics (formerly Invitae), Labcorp
Classification: Uncertain significance. Last evaluated: 2024-03-30. Review status: criteria provided, single submitter. Criteria: Invitae Variant Classification Sherloc (09022015). Collection method: clinical testing. Allele origin: germline.
Comment: This sequence change replaces glycine, which is neutral and non-polar, with serine, which is neutral and polar, at codon 102 of the COL9A2 protein (p.Gly102Ser). This variant is present in population databases (rs776441743, gnomAD 0.003%). This variant has not been reported in the literature in individuals affected with COL9A2-related conditions. Experimental studies and prediction algorithms are not available or were not evaluated, and the functional significance of this variant is currently unknown. In summary, the available evidence is currently insufficient to determine the role of this variant in disease. Therefore, it has been classified as a Variant of Uncertain Significance.

NM_001852.4(COL9A2):c.304G>A (p.Gly102Ser)

Gene: COL9A2 (collagen type IX alpha 2 chain; minus strand). Cytogenetic location: 1p34.2.
Variant type: single nucleotide variant.
Coding change: c.304G>A on transcript NM_001852.4 (MANE Select); coding-DNA position 304, G replaced by A.
Protein change: p.Gly102Ser; replaces glycine 102 with serine.
Molecular consequence: missense variant.
Genome position (GRCh38, 1-based): chr1:40,312,609, C>T on the plus strand (G>A on the coding strand, the complement: COL9A2 is on the minus strand). VCF-style: chr1-40312609-C-T. GRCh37 (hg19) VCF-style: chr1-40778281-C-T.
Other names: short protein forms G102S.
Identifiers: ClinVar variation 3669534 (VCV003669534.2).
Genomic context (GRCh38, chr1:40,312,609, plus strand): 5'-CGAAGCCCTTGCAGGTTGTACTCACCGGAAGGCCAGGAGGACCAGGAAGCCCGGGCTGGC[C>T]CTGCAGAAGCAACGAGAAAGGCTCAGAGGCTGGGGTTTCCCCGGCTCCTACTTCCTCTCT-3'
Protein context (NP_001843.1, residues 92-112): PGPMGIPGVK[Gly102Ser]QPGLPGPPGL